The following is an entry in ClinVar:

NM_000748.3(CHRNB2):c.1478dup (p.His493fs)

Gene: CHRNB2 (cholinergic receptor nicotinic beta 2 subunit; plus strand). Cytogenetic location: 1q21.3.
Variant type: Duplication.
Coding change: c.1478dup on transcript NM_000748.3 (MANE Select); coding-DNA position 1478, one base duplicated (A; older notation c.1478dupA).
Protein change: p.His493fs; shifts the reading frame from histidine 493.
Molecular consequence: frameshift variant.
Genome position (GRCh38, 1-based): chr1:154,575,901, A duplicated. VCF-style (leftmost placement, unchanged base first): chr1-154575900-C-CA. GRCh37 (hg19) VCF-style: chr1-154548376-C-CA.
Other names: short protein forms H493fs.
Identifiers: ClinVar variation 4527660 (VCV004527660.1).

ClinVar aggregate classification (germline): Uncertain significance (1 of 4 stars; one submission).

Submission:

GeneDx
Classification: Uncertain significance. Last evaluated: 2025-04-25. Review status: criteria provided, single submitter. Criteria: GeneDx Variant Classification Process June 2021. Collection method: clinical testing. Allele origin: germline. Affected: yes.
Comment: Not observed at significant frequency in large population cohorts (gnomAD); Frameshift variant predicted to result in abnormal protein length as the last 10 amino acid(s) are replaced with 112 different amino acid(s); Has not been previously published as pathogenic or benign to our knowledge